The following is an entry in ClinVar:

NM_004356.4(CD81):c.288C>T (p.Thr96=)

Genes: CD81 (CD81 molecule; plus strand), LOC130005139 (ATAC-STARR-seq lymphoblastoid active region 4300; plus strand). Cytogenetic location: 11p15.5.
Variant type: single nucleotide variant.
Coding change: c.288C>T on transcript NM_004356.4 (MANE Select); coding-DNA position 288, C replaced by T.
Protein change: p.Thr96=; no amino-acid change (threonine 96 retained).
Molecular consequence: synonymous variant.
Genome position (GRCh38, 1-based): chr11:2,394,980, C>T. VCF-style: chr11-2394980-C-T. GRCh37 (hg19) VCF-style: chr11-2416210-C-T.
Other names: c.75C>T, p.Thr25= (NM_001297649.2); c.288C>T (NM_004356.3).
Identifiers: ClinVar variation 1167261 (VCV001167261.14), dbSNP rs202086417, ClinGen allele CA5819948.

ClinVar aggregate classification (germline): Benign/Likely benign. Review status: criteria provided, multiple submitters, no conflicts (2 of 4 stars). 5 submissions from 5 submitters: Benign (1); Likely benign (1). 3 of the submissions do not count toward it. Last evaluated 2026-01-15.

Conditions:
CD81-related disorder. Also called: CD81-related condition.

Allele frequency attached by ClinVar (database versions not stated): ESP Exome Variant Server 0.00008; gnomAD exomes 0.00013 and 0.00071; gnomAD 0.00032 and 0.00046; TOPMed 0.00037; ExAC 0.00068; 1000 Genomes Project 0.00280; 1000 Genomes Project 30x 0.00281.
gnomAD v4.1: 298 of 1,612,794 alleles (0.018%); highest among the groups gnomAD compares: East Asian, 0.47%; 2 homozygotes.

Submissions (5):

Labcorp Genetics (formerly Invitae), Labcorp
Classification: Benign. Last evaluated: 2026-01-15. Review status: criteria provided, single submitter. Criteria: Invitae Variant Classification Sherloc (09022015). Collection method: clinical testing. Allele origin: germline.

Blueprint Genetics
Classification: Likely benign. Last evaluated: 2024-10-08. Review status: criteria provided, single submitter. Criteria: ACMG Guidelines, 2015. Collection method: clinical testing. Allele origin: germline.

PreventionGenetics, part of Exact Sciences
Classification: Benign for CD81-related condition. Last evaluated: 2023-12-23. Review status: no assertion criteria provided. Collection method: clinical testing. Allele origin: germline. Not counted in ClinVar's aggregate classification.
Comment: This variant is classified as benign based on ACMG/AMP sequence variant interpretation guidelines (Richards et al. 2015 PMID: 25741868, with internal and published modifications).

Clinical Genetics DNA and cytogenetics Diagnostics Lab, Erasmus MC, Erasmus Medical Center
Classification: Likely benign. Review status: no assertion criteria provided. Collection method: clinical testing. Allele origin: germline. Affected: yes. Study: VKGL Data-share Consensus. Not counted in ClinVar's aggregate classification.

Genome Diagnostics Laboratory, University Medical Center Utrecht
Classification: Likely benign. Review status: no assertion criteria provided. Collection method: clinical testing. Allele origin: germline. Affected: yes. Study: VKGL Data-share Consensus. Not counted in ClinVar's aggregate classification.